The following is an entry in ClinVar:

NM_020366.4(RPGRIP1):c.2441del (p.Arg814fs)

Gene: RPGRIP1 (RPGR interacting protein 1; plus strand). Cytogenetic location: 14q11.2.
Variant type: Deletion.
Coding change: c.2441del on transcript NM_020366.4 (MANE Select); coding-DNA position 2441, one base deleted (G; older notation c.2441delG).
Protein change: p.Arg814fs; shifts the reading frame from arginine 814.
Molecular consequence: frameshift variant. On other transcripts: intron variant (4).
Genome position (GRCh38, 1-based): chr14:21,325,904, G deleted. VCF-style (leftmost placement, unchanged base first): chr14-21325903-CG-C. GRCh37 (hg19) VCF-style: chr14-21794062-CG-C.
Other names: c.1367del, p.Arg456fs (NM_001377948.1); c.796+1179del (NM_001377949.1); c.689-1719del (NM_001377523.1, NM_001377950.1); c.191-1719del (NM_001377951.1); short protein forms R456fs, R814fs.
Identifiers: ClinVar variation 865870 (VCV000865870.8), dbSNP rs1739469293, ClinGen allele CA916083364.

ClinVar aggregate classification (germline): Pathogenic/Likely pathogenic. Review status: criteria provided, multiple submitters, no conflicts (2 of 4 stars). 2 submissions from 2 submitters: Pathogenic (1); Likely pathogenic (1). Last evaluated 2022-04-22.

Conditions:
RPGRIP1-related disorder. Also called: RPGRIP1-related condition.
Cone-rod dystrophy 13 (CORD13). Identifiers: Orphanet 1872, MedGen C2750720, MONDO:0011987, OMIM 608194.
Leber congenital amaurosis 6 (LCA6). Identifiers: Orphanet 65, MedGen C1854260, MONDO:0013446, OMIM 613826.

Submissions (2):

Labcorp Genetics (formerly Invitae), Labcorp
Classification: Pathogenic for Leber congenital amaurosis 6; Cone-rod dystrophy 13. Last evaluated: 2022-04-22. Review status: criteria provided, single submitter. Criteria: Invitae Variant Classification Sherloc (09022015). Collection method: clinical testing. Allele origin: germline.
Comment: This sequence change creates a premature translational stop signal (p.Arg814Hisfs*44) in the RPGRIP1 gene. It is expected to result in an absent or disrupted protein product. Loss-of-function variants in RPGRIP1 are known to be pathogenic (PMID: 11528500, 23105016). This variant is not present in population databases (gnomAD no frequency). This variant has not been reported in the literature in individuals affected with RPGRIP1-related conditions. ClinVar contains an entry for this variant (Variation ID: 865870). For these reasons, this variant has been classified as Pathogenic.

Blueprint Genetics
Classification: Likely pathogenic for RPGRIP1-related disorders. Last evaluated: 2019-01-31. Review status: criteria provided, single submitter. Criteria: ACMG Guidelines, 2015. Collection method: clinical testing. Allele origin: germline. Affected: yes. Observed: 1 variant allele.

Literature cited by the submitters: PubMed 11528500 (cited by Labcorp Genetics (formerly Invitae), Labcorp); PubMed 23105016 (cited by Labcorp Genetics (formerly Invitae), Labcorp).